The following is an entry in ClinVar:

NM_020843.4(SCAPER):c.3844C>A (p.Pro1282Thr)

Gene: SCAPER (S-phase cyclin A associated protein in the ER; minus strand). Cytogenetic location: 15q24.3.
Variant type: single nucleotide variant.
Coding change: c.3844C>A on transcript NM_020843.4 (MANE Select); coding-DNA position 3844, C replaced by A.
Protein change: p.Pro1282Thr; replaces proline 1282 with threonine.
Molecular consequence: missense variant. On other transcripts: non-coding transcript variant (1).
Genome position (GRCh38, 1-based): chr15:76,376,173, G>T on the plus strand (C>A on the coding strand, the complement: SCAPER is on the minus strand). VCF-style: chr15-76376173-G-T. GRCh37 (hg19) VCF-style: chr15-76668514-G-T.
Other names: c.3106C>A, p.Pro1036Thr (NM_001145923.2); c.3862C>A, p.Pro1288Thr (NM_001353009.2); c.3442C>A, p.Pro1148Thr (NM_001353010.2, NM_001353012.2); c.3460C>A, p.Pro1154Thr (NM_001353011.2); short protein forms P1036T, P1148T, P1154T, P1282T, P1288T.
Identifiers: ClinVar variation 3350501 (VCV003350501.1).

ClinVar aggregate classification (germline): Likely benign (0 of 4 stars; one submission).

Conditions:
SCAPER-related disorder. Also called: SCAPER-related condition.

gnomAD v4.1: 273 of 1,613,964 alleles (0.017%); highest among the groups gnomAD compares: South Asian, 0.025%; no homozygotes.

Submission:

PreventionGenetics, part of Exact Sciences
Classification: Likely benign for SCAPER-related condition. Last evaluated: 2024-08-07. Review status: no assertion criteria provided. Collection method: clinical testing. Allele origin: germline.
Comment: This variant is classified as likely benign based on ACMG/AMP sequence variant interpretation guidelines (Richards et al. 2015 PMID: 25741868, with internal and published modifications).